The following is an entry in ClinVar:

NM_001354604.2(MITF):c.1537C>T (p.Arg513Trp)

Gene: MITF (melanocyte inducing transcription factor; plus strand). Cytogenetic location: 3p13.
Variant type: single nucleotide variant.
Coding change: c.1537C>T on transcript NM_001354604.2 (MANE Select); coding-DNA position 1537, C replaced by T.
Protein change: p.Arg513Trp; replaces arginine 513 with tryptophan.
Molecular consequence: missense variant.
Genome position (GRCh38, 1-based): chr3:69,965,204, C>T. VCF-style: chr3-69965204-C-T. GRCh37 (hg19) VCF-style: chr3-70014355-C-T.
Other names: c.1216C>T, p.Arg406Trp (NM_000248.4); c.1363C>T, p.Arg455Trp (NM_001184967.2, NM_001354608.2); c.1534C>T, p.Arg512Trp (NM_001354605.2); c.1516C>T, p.Arg506Trp (NM_001354606.2, NM_006722.3); c.1468C>T, p.Arg490Trp (NM_001354607.2); c.1198C>T, p.Arg400Trp (NM_198158.3); c.1519C>T, p.Arg507Trp (NM_198159.3); c.1471C>T, p.Arg491Trp (NM_198177.3); and 1 more; short protein forms R344W, R400W, R406W, R455W, R490W, R491W, R506W, R507W.
Identifiers: ClinVar variation 3752700 (VCV003752700.2).
Genomic context (GRCh38, chr3:69,965,204, plus strand): 5'-GTCGGTGTCACTGATCCACTCCTTTCCTCAGTGTCCCCCGGAGCTTCCAAAACAAGCAGC[C>T]GGAGGAGCAGTATGAGCATGGAAGAGACGGAGCACACTTGTTAGCGAATCCTCCCTGCAC-3'
Protein context (NP_001341533.1, residues 503-523): VSPGASKTSS[Arg513Trp]RSSMSMEETE

ClinVar aggregate classification (germline): Uncertain significance (1 of 4 stars; one submission).

Conditions:
Waardenburg syndrome type 2A (WS2A). Also called: WAARDENBURG SYNDROME WITHOUT DYSTOPIA CANTHORUM. Identifiers: Orphanet 3440, MedGen C1860339, MONDO:0008671, OMIM 193510.
Tietz syndrome (TADS). Also called: ALBINISM-DEAFNESS OF TIETZ; HYPOPIGMENTATION/DEAFNESS OF TIETZ; TIETZ ALBINISM-DEAFNESS SYNDROME. Identifiers: Orphanet 42665, MedGen C0391816, MONDO:0007077, OMIM 103500.
Melanoma, cutaneous malignant, susceptibility to, 8. Also called: MELANOMA AND RENAL CELL CARCINOMA, SUSCEPTIBILITY TO; Cutaneous malignant melanoma 8. Identifiers: Orphanet 293822, MedGen C3152204, MONDO:0013759, OMIM 614456.

gnomAD v4.1: 2 of 1,613,760 alleles (0.00012%); highest among the groups gnomAD compares: Non-Finnish European, 0.00017%; no homozygotes.

Submission:

Labcorp Genetics (formerly Invitae), Labcorp
Classification: Uncertain significance for Melanoma, cutaneous malignant, susceptibility to, 8; Waardenburg syndrome type 2A; Tietz syndrome. Last evaluated: 2025-08-18. Review status: criteria provided, single submitter. Criteria: Invitae Variant Classification Sherloc (09022015). Collection method: clinical testing. Allele origin: germline.
Comment: This sequence change replaces arginine, which is basic and polar, with tryptophan, which is neutral and slightly polar, at codon 406 of the MITF protein (p.Arg406Trp). This variant is not present in population databases (gnomAD no frequency). This variant has not been reported in the literature in individuals affected with MITF-related conditions. ClinVar contains an entry for this variant (Variation ID: 3752700). Invitae Evidence Modeling of protein sequence and biophysical properties (such as structural, functional, and spatial information, amino acid conservation, physicochemical variation, residue mobility, and thermodynamic stability) indicates that this missense variant is expected to disrupt MITF protein function with a positive predictive value of 80%. In summary, the available evidence is currently insufficient to determine the role of this variant in disease. Therefore, it has been classified as a Variant of Uncertain Significance.